The following is an entry in ClinVar:

NM_017849.4(TMEM127):c.485A>C (p.Lys162Thr)

Gene: TMEM127 (transmembrane protein 127; minus strand). Cytogenetic location: 2q11.2.
Variant type: single nucleotide variant.
Coding change: c.485A>C on transcript NM_017849.4 (MANE Select); coding-DNA position 485, A replaced by C.
Protein change: p.Lys162Thr; replaces lysine 162 with threonine.
Molecular consequence: missense variant.
Genome position (GRCh38, 1-based): chr2:96,254,040, T>G on the plus strand (A>C on the coding strand, the complement: TMEM127 is on the minus strand). VCF-style: chr2-96254040-T-G. GRCh37 (hg19) VCF-style: chr2-96919778-T-G.
Other names: c.485A>C, p.Lys162Thr (NM_001193304.3); c.233A>C, p.Lys78Thr (NM_001407282.1, NM_001407283.1); short protein forms K78T, K162T.
Identifiers: ClinVar variation 5030905 (VCV005030905.1).

ClinVar aggregate classification (germline): Uncertain significance (1 of 4 stars; one submission).

Conditions:
Hereditary cancer-predisposing syndrome. Also called: Neoplastic Syndromes, Hereditary; Tumor predisposition; Hereditary neoplastic syndrome; Hereditary Cancer Syndrome. Identifiers: Orphanet 140162, MedGen C0027672, MeSH D009386, MONDO:0015356.

Submission:

Ambry Genetics
Classification: Uncertain significance for Hereditary cancer-predisposing syndrome. Last evaluated: 2026-07-06. Review status: criteria provided, single submitter. Criteria: Ambry Variant Classification Scheme 2023. Collection method: clinical testing. Allele origin: germline.
Comment: The p.K162T variant (also known as c.485A>C), located in coding exon 3 of the TMEM127 gene, results from an A to C substitution at nucleotide position 485. The lysine at codon 162 is replaced by threonine, an amino acid with similar properties. This amino acid position is conserved. In addition, this alteration is predicted to be deleterious by in silico analysis. Based on the available evidence, the clinical significance of this variant remains unclear.